The following is an entry in ClinVar:

ClinVar aggregate classification (germline): Uncertain significance (1 of 4 stars; one submission).

Submission:

Labcorp Genetics (formerly Invitae), Labcorp
Classification: Uncertain significance. Last evaluated: 2024-02-27. Review status: criteria provided, single submitter. Criteria: Invitae Variant Classification Sherloc (09022015). Collection method: clinical testing. Allele origin: germline.
Comment: This sequence change replaces serine, which is neutral and polar, with cysteine, which is neutral and slightly polar, at codon 2206 of the FAT4 protein (p.Ser2206Cys). This variant is not present in population databases (gnomAD no frequency). This variant has not been reported in the literature in individuals affected with FAT4-related conditions. Advanced modeling of protein sequence and biophysical properties (such as structural, functional, and spatial information, amino acid conservation, physicochemical variation, residue mobility, and thermodynamic stability) performed at Invitae indicates that this missense variant is not expected to disrupt FAT4 protein function with a negative predictive value of 80%. In summary, the available evidence is currently insufficient to determine the role of this variant in disease. Therefore, it has been classified as a Variant of Uncertain Significance.

NM_001291303.3(FAT4):c.6617C>G (p.Ser2206Cys)

Gene: FAT4 (FAT atypical cadherin 4; plus strand). Cytogenetic location: 4q28.1.
Variant type: single nucleotide variant.
Coding change: c.6617C>G on transcript NM_001291303.3 (MANE Select); coding-DNA position 6617, C replaced by G.
Protein change: p.Ser2206Cys; replaces serine 2206 with cysteine.
Molecular consequence: missense variant.
Genome position (GRCh38, 1-based): chr4:125,415,580, C>G. VCF-style: chr4-125415580-C-G. GRCh37 (hg19) VCF-style: chr4-126336735-C-G.
Other names: c.6617C>G, p.Ser2206Cys (NM_001291285.3, NM_024582.6); short protein forms S2206C.
Identifiers: ClinVar variation 3640055 (VCV003640055.2).
Genomic context (GRCh38, chr4:125,415,580, plus strand): 5'-ATGGACAGGTTCGCTATGGCATTGTTAATGGTAATACCAATCAGGAATTTCGGATAGACT[C>G]TGTCACAGGTGCCATCACTGTCGCTAAACCTTTGGATAGAGAAAAGACCCCTACCTACCA-3'
Protein context (NP_001278232.1, residues 2196-2216): GNTNQEFRID[Ser2206Cys]VTGAITVAKP